The following is an entry in ClinVar:

NM_001105206.3(LAMA4):c.4435delinsTGTTGGCTGTTTATTAGGTTAACTTCTAGTTCAAACA (p.Arg1479delinsCysTrpLeuPheIleArgLeuThrSerSerSerAsnSer)

Gene: LAMA4 (laminin subunit alpha 4; minus strand). Cytogenetic location: 6q21.
Variant type: Indel.
Coding change: c.4435delinsTGTTGGCTGTTTATTAGGTTAACTTCTAGTTCAAACA on transcript NM_001105206.3 (MANE Select); coding-DNA position 4435, the reference bases replaced by an inserted sequence.
Protein change: p.Arg1479delinsCysTrpLeuPheIleArgLeuThrSerSerSerAsnSer.
Molecular consequence: inframe indel.
Genome position (GRCh38, 1-based): chr6:112,122,054, one base replaced. GRCh37 (hg19), VCF-style position (the base before the change): chr6:112,443,257.
Other names: c.4414delinsTGTTGGCTGTTTATTAGGTTAACTTCTAGTTCAAACA, p.Arg1472delinsCysTrpLeuPheIleArgLeuThrSerSerSerAsnSer (NM_001105207.3, NM_002290.5); c.4414delCinsTGTTGGCTGTTTATTAGGTTAACTTCTAGTTCAAACA, p.Arg1472delinsCysTrpLeuPheIleArgLeuThrSerSerSerAsnSer (NM_002290.3).
Identifiers: ClinVar variation 3776547 (VCV003776547.1).

ClinVar aggregate classification (germline): Uncertain significance (1 of 4 stars; one submission).

Submission:

GeneDx
Classification: Uncertain significance. Last evaluated: 2024-10-01. Review status: criteria provided, single submitter. Criteria: GeneDx Variant Classification Process June 2021. Collection method: clinical testing. Allele origin: germline. Affected: yes.
Comment: Not observed at significant frequency in large population cohorts (gnomAD); In-frame deletion of 1 amino acid and insertion of 13 different amino acids in a non-repeat region; In silico analysis indicates that this variant does not alter protein structure/function; Has not been previously published as pathogenic or benign to our knowledge